The following is an entry in ClinVar:

Conditions:
Long QT syndrome 5 (LQT5). Identifiers: Orphanet 101016, Orphanet 768, MedGen C1867904, MONDO:0013372, OMIM 613695.

Submission:

Roden Lab, Vanderbilt University Medical Center
No classification provided (evidence only). Condition: Long QT syndrome 5. Review status: no classification provided. Collection method: in vitro. Allele origin: not applicable. Functional consequence: Effect on ion channel function.
ClinVar note: "not provided" was previously submitted as the classification for the variant. However, the classification appeared to be based only on an observation of functional data so it was converted to no classification on 2025-07-30.

NM_000219.6(KCNE1):c.128A>T (p.Glu43Val)

Gene: KCNE1 (potassium voltage-gated channel subfamily E regulatory subunit 1; minus strand). Cytogenetic location: 21q22.12.
Variant type: single nucleotide variant.
Coding change: c.128A>T on transcript NM_000219.6 (MANE Select); coding-DNA position 128, A replaced by T.
Protein change: p.Glu43Val; replaces glutamic acid 43 with valine.
Molecular consequence: missense variant.
Genome position (GRCh38, 1-based): chr21:34,449,507, T>A on the plus strand (A>T on the coding strand, the complement: KCNE1 is on the minus strand). VCF-style: chr21-34449507-T-A. GRCh37 (hg19) VCF-style: chr21-35821805-T-A.
Other names: c.128A>T, p.Glu43Val (NM_001127668.4, NM_001127669.4, NM_001127670.4 and 4 more transcripts); short protein forms E43V.
Identifiers: ClinVar variation 3374120 (VCV003374120.2).
Genomic context (GRCh38, chr21:34,449,507, plus strand): 5'-AGCATGATGCCCAGGGTGAAGAAGCCGAAGAATCCCAGTACCATGAGGACGTAGAGGGCC[T>A]CCAGCTTGCCGTCACTGCTGCGGGGGGACCTGCGGGCCAGGCCCGACATGTTGCCACCCT-3'
Protein context (NP_000210.2, residues 33-53): RSPRSSDGKL[Glu43Val]ALYVLMVLGF